The following is an entry in ClinVar:

NM_001374736.1(DST):c.4016del (p.Asn1339fs)

Gene: DST (dystonin; minus strand). Cytogenetic location: 6p12.1.
Variant type: Deletion.
Coding change: c.4016del on transcript NM_001374736.1 (MANE Select); coding-DNA position 4016, one base deleted (A; older notation c.4016delA).
Protein change: p.Asn1339fs; shifts the reading frame from asparagine 1339.
Molecular consequence: frameshift variant.
Genome position (GRCh38, 1-based): chr6:56,631,337, T deleted on the plus strand (A on the coding strand, the reverse complement: DST is on the minus strand); the first of 3 consecutive T bases (chr6:56,631,337-56,631,339); deleting any one gives the same sequence. VCF-style (leftmost placement, unchanged base first): chr6-56631336-AT-A. GRCh37 (hg19) VCF-style: chr6-56496134-AT-A.
Other names: c.3917del, p.Asn1306fs (NM_001144769.5); c.3503del, p.Asn1168fs (NM_001144770.2); c.4016del, p.Asn1339fs (NM_001374722.1); c.3383del, p.Asn1128fs (NM_001374729.1, NM_001374730.1, NM_001386100.1 and 1 more transcripts); c.4043del, p.Asn1348fs (NM_001374734.1); c.2405del, p.Asn802fs (NM_001723.7, NM_015548.5); short protein forms N1168fs, N1306fs, N1348fs, N802fs, N1339fs, N1128fs.
Identifiers: ClinVar variation 1454492 (VCV001454492.6), dbSNP rs2152759509, ClinGen allele CA2573141065.

ClinVar aggregate classification (germline): Pathogenic (1 of 4 stars; one submission).

Conditions:
Epidermolysis bullosa simplex 3, localized or generalized intermediate, with BP230 deficiency (EBS3). Also called: Epidermolysis bullosa simplex, autosomal recessive 2; Epidermolysis bullosa simplex due to BP230 deficiency. Identifiers: Orphanet 412181, MedGen C3809470, MONDO:0014180, OMIM 615425.
Hereditary sensory and autonomic neuropathy type 6. Also called: Neuropathy, hereditary sensory and autonomic, type VI; HSAN VI. Identifiers: Orphanet 314381, MedGen C3539003, MONDO:0013839, OMIM 614653.

Submission:

Labcorp Genetics (formerly Invitae), Labcorp
Classification: Pathogenic for Epidermolysis bullosa simplex 3, localized or generalized intermediate, with BP230 deficiency; Hereditary sensory and autonomic neuropathy type 6. Last evaluated: 2021-08-03. Review status: criteria provided, single submitter. Criteria: Invitae Variant Classification Sherloc (09022015). Collection method: clinical testing. Allele origin: germline.
Comment: This variant is not present in population databases (ExAC no frequency). This sequence change creates a premature translational stop signal (p.Asn802Ilefs*30) in the DST gene. It is expected to result in an absent or disrupted protein product. Loss-of-function variants in DST are known to be pathogenic (PMID: 22522446, 25059916, 30371979). This variant has not been reported in the literature in individuals affected with DST-related conditions. For these reasons, this variant has been classified as Pathogenic.

Literature cited by the submitters: PubMed 22522446; PubMed 25059916; PubMed 30371979.